The following is an entry in ClinVar:

NM_000742.4(CHRNA2):c.771C>T (p.Tyr257=)

Gene: CHRNA2 (cholinergic receptor nicotinic alpha 2 subunit; minus strand). Cytogenetic location: 8p21.2.
Variant type: single nucleotide variant.
Coding change: c.771C>T on transcript NM_000742.4 (MANE Select); coding-DNA position 771, C replaced by T.
Protein change: p.Tyr257=; no amino-acid change (tyrosine 257 retained).
Molecular consequence: synonymous variant.
Genome position (GRCh38, 1-based): chr8:27,463,672, G>A on the plus strand (C>T on the coding strand, the complement: CHRNA2 is on the minus strand). VCF-style: chr8-27463672-G-A. GRCh37 (hg19) VCF-style: chr8-27321189-G-A.
Other names: p.Tyr257=; c.726C>T, p.Tyr242= (NM_001282455.2); c.294C>T, p.Tyr98= (NM_001347705.2, NM_001347706.2); c.177C>T, p.Tyr59= (NM_001347707.2, NM_001347708.2).
Identifiers: ClinVar variation 128741 (VCV000128741.27), dbSNP rs56229264, ClinGen allele CA152381.

ClinVar aggregate classification (germline): Benign/Likely benign. Review status: criteria provided, multiple submitters, no conflicts (2 of 4 stars). 8 submissions from 8 submitters: Benign (6); Likely benign (1). 1 of the submissions does not count toward it. Last evaluated 2026-02-03.

Conditions:
Familial sleep-related hypermotor epilepsy. Also called: Autosomal Dominant Sleep-Related Hypermotor (Hyperkinetic) Epilepsy. Identifiers: Orphanet 98784, MedGen C3696898, MONDO:0000030.
Autosomal dominant nocturnal frontal lobe epilepsy 4. Also called: EPILEPSY, FAMILIAL, WITH NOCTURNAL WANDERING AND ICTAL FEAR; CHRNA2-Related Nocturnal Frontal Lobe Epilepsy, Autosomal Dominant. Identifiers: Orphanet 98784, MedGen C1835905, MONDO:0012474, OMIM 610353.
Inborn genetic diseases. Identifiers: MedGen C0950123, MeSH D030342.

Allele frequency attached by ClinVar (database versions not stated): 1000 Genomes Project 30x 0.00578; 1000 Genomes Project 0.00599; TOPMed 0.01213; gnomAD 0.01239 and 0.01257; ESP Exome Variant Server 0.01338; ExAC 0.01395; gnomAD exomes 0.01429.
gnomAD v4.1: 25,896 of 1,614,148 alleles (1.6%); highest among the groups gnomAD compares: Non-Finnish European, 1.9%; 252 homozygotes.

Submissions (8):

Labcorp Genetics (formerly Invitae), Labcorp
Classification: Benign. Last evaluated: 2026-02-03. Review status: criteria provided, single submitter. Criteria: Invitae Variant Classification Sherloc (09022015). Collection method: clinical testing. Allele origin: germline.

Blueprint Genetics
Classification: Likely benign. Last evaluated: 2024-11-27. Review status: criteria provided, single submitter. Criteria: ACMG Guidelines, 2015. Collection method: clinical testing. Allele origin: germline.

Mayo Clinic Laboratories, Mayo Clinic
Classification: Benign. Last evaluated: 2018-09-06. Review status: criteria provided, single submitter. Criteria: ACMG Guidelines, 2015. Collection method: clinical testing. Allele origin: germline. Observed: 24 variant alleles.

Illumina Laboratory Services, Illumina
Classification: Benign for Autosomal dominant nocturnal frontal lobe epilepsy 4. Last evaluated: 2018-01-12. Review status: criteria provided, single submitter. Criteria: ICSL Variant Classification Criteria 13 December 2019. Collection method: clinical testing. Allele origin: germline.
Comment: This variant was observed in the ICSL laboratory as part of a predisposition screen in an ostensibly healthy population. It had not been previously curated by ICSL or reported in the Human Gene Mutation Database (HGMD: prior to June 1st, 2018), and was therefore a candidate for classification through an automated scoring system. Utilizing variant allele frequency, disease prevalence and penetrance estimates, and inheritance mode, an automated score was calculated to assess if this variant is too frequent to cause the disease. Based on the score and internal cut-off values, a variant classified as benign is not then subjected to further curation. The score for this variant resulted in a classification of benign for this disease.

Ambry Genetics
Classification: Benign for Inborn genetic diseases. Last evaluated: 2016-07-21. Review status: criteria provided, single submitter. Criteria: Ambry Variant Classification Scheme 2023. Collection method: clinical testing. Allele origin: germline.

GeneDx
Classification: Benign. Last evaluated: 2015-03-03. Review status: criteria provided, single submitter. Criteria: GeneDx Variant Classification Process June 2021. Collection method: clinical testing. Allele origin: germline. Affected: yes.

Breakthrough Genomics
Classification: Benign. Review status: criteria provided, single submitter. Criteria: ACMG Guidelines, 2015. Collection method: not provided. Allele origin: germline. Inheritance: Autosomal dominant inheritance. Affected: yes.

Genetic Services Laboratory, University of Chicago
Classification: Likely benign for AllHighlyPenetrant. Review status: no assertion criteria provided. Collection method: clinical testing. Allele origin: germline. Inheritance: Autosomal dominant inheritance. Not counted in ClinVar's aggregate classification.
Comment: Likely benign based on allele frequency in 1000 Genomes Project or ESP global frequency and its presence in a patient with a rare or unrelated disease phenotype. NOT Sanger confirmed.